The following is an entry in ClinVar:

ClinVar aggregate classification (germline): Uncertain significance (1 of 4 stars; one submission).

gnomAD v4.1: 2 of 1,613,968 alleles (0.00012%); highest among the groups gnomAD compares: Non-Finnish European, 0.000085%; no homozygotes.

Submission:

GeneDx
Classification: Uncertain significance. Last evaluated: 2026-03-17. Review status: criteria provided, single submitter. Criteria: GeneDx Variant Classification Process June 2021. Collection method: clinical testing. Allele origin: germline.
Comment: Not observed at significant frequency in large population cohorts (gnomAD); In silico analysis supports that this missense variant has a deleterious effect on protein structure/function; Has not been previously published as pathogenic or benign to our knowledge; Also known as p.(S1966I)

NM_000384.3(APOB):c.5978G>T (p.Ser1993Ile)

Gene: APOB (apolipoprotein B; minus strand). Cytogenetic location: 2p24.1.
Variant type: single nucleotide variant.
Coding change: c.5978G>T on transcript NM_000384.3 (MANE Select); coding-DNA position 5978, G replaced by T.
Protein change: p.Ser1993Ile; replaces serine 1993 with isoleucine.
Molecular consequence: missense variant.
Genome position (GRCh38, 1-based): chr2:21,010,890, C>A on the plus strand (G>T on the coding strand, the complement: APOB is on the minus strand). VCF-style: chr2-21010890-C-A. GRCh37 (hg19) VCF-style: chr2-21233762-C-A.
Other names: short protein forms S1993I.
Identifiers: ClinVar variation 5009339 (VCV005009339.1).